The following is an entry in ClinVar:

ClinVar aggregate classification (germline): Uncertain significance (1 of 4 stars; one submission).

Allele frequency attached by ClinVar (database versions not stated): ExAC 0.00001; gnomAD 0.00001; TOPMed 0.00002; 1000 Genomes Project 30x 0.00016; gnomAD exomes 0.00001.
gnomAD v4.1: 21 of 1,614,044 alleles (0.0013%); highest among the groups gnomAD compares: East Asian, 0.0022%; no homozygotes.

Submission:

Labcorp Genetics (formerly Invitae), Labcorp
Classification: Uncertain significance. Last evaluated: 2025-05-22. Review status: criteria provided, single submitter. Criteria: Invitae Variant Classification Sherloc (09022015). Collection method: clinical testing. Allele origin: germline.
Comment: This sequence change creates a premature translational stop signal (p.Arg664*) in the RFWD3 gene. It is expected to result in an absent or disrupted protein product. However, the current clinical and genetic evidence is not sufficient to establish whether loss-of-function variants in RFWD3 cause disease. This variant is present in population databases (rs746935093, gnomAD 0.007%). This variant has not been reported in the literature in individuals affected with RFWD3-related conditions. ClinVar contains an entry for this variant (Variation ID: 2998594). In summary, the available evidence is currently insufficient to determine the role of this variant in disease. Therefore, it has been classified as a Variant of Uncertain Significance.

NM_018124.4(RFWD3):c.1990C>T (p.Arg664Ter)

Gene: RFWD3 (ring finger and WD repeat domain 3; minus strand). Cytogenetic location: 16q23.1.
Variant type: single nucleotide variant.
Coding change: c.1990C>T on transcript NM_018124.4 (MANE Select); coding-DNA position 1990, C replaced by T.
Protein change: p.Arg664Ter; replaces arginine 664 with a stop codon.
Molecular consequence: nonsense.
Genome position (GRCh38, 1-based): chr16:74,626,534, G>A on the plus strand (C>T on the coding strand, the complement: RFWD3 is on the minus strand). VCF-style: chr16-74626534-G-A. GRCh37 (hg19) VCF-style: chr16-74660432-G-A.
Other names: c.1990C>T, p.Arg664Ter (NM_001370534.1, NM_001370535.1); c.1813C>T, p.Arg605Ter (NM_001370536.1); c.1156C>T, p.Arg386Ter (NM_001370537.1, NM_001370539.1, NM_001370540.1 and 3 more transcripts); short protein forms R386*, R605*, R664*.
Identifiers: ClinVar variation 2998594 (VCV002998594.3), dbSNP rs746935093, ClinGen allele CA8169017.